The following is an entry in ClinVar:

ClinVar aggregate classification (germline): Likely pathogenic (1 of 4 stars; one submission).

Conditions:
Dilated cardiomyopathy 1G (CMD1G). Identifiers: Orphanet 154, MedGen C1858763, MONDO:0011400, OMIM 604145.
Autosomal recessive limb-girdle muscular dystrophy type 2J (LGMDR10). Also called: Limb-girdle muscular dystrophy, type 2J; MUSCULAR DYSTROPHY, LIMB-GIRDLE, AUTOSOMAL RECESSIVE 10. Identifiers: Orphanet 140922, MedGen C1837342, MONDO:0012127, OMIM 608807.

Submission:

Labcorp Genetics (formerly Invitae), Labcorp
Classification: Likely pathogenic for Dilated cardiomyopathy 1G; Autosomal recessive limb-girdle muscular dystrophy type 2J. Last evaluated: 2022-06-21. Review status: criteria provided, single submitter. Criteria: Invitae Variant Classification Sherloc (09022015). Collection method: clinical testing. Allele origin: germline.
Comment: In summary, the currently available evidence indicates that the variant is pathogenic, but additional data are needed to prove that conclusively. Therefore, this variant has been classified as Likely Pathogenic. This variant is located in the A band of TTN (PMID: 25589632). Truncating variants in this region are significantly overrepresented in patients affected with dilated cardiomyopathy (PMID: 25589632). Truncating variants in this region have also been reported in individuals affected with autosomal recessive centronuclear myopathy (PMID: 23975875). This sequence change creates a premature translational stop signal (p.Trp15805*) in the TTN gene. While this is not anticipated to result in nonsense mediated decay, it is expected to create a truncated TTN protein. This variant is not present in population databases (gnomAD no frequency). This variant has not been reported in the literature in individuals affected with TTN-related conditions. Algorithms developed to predict the effect of sequence changes on RNA splicing suggest that this variant may create or strengthen a splice site.

Literature cited by the submitters: PubMed 25589632; PubMed 23975875.

NM_001267550.2(TTN):c.47414G>A (p.Trp15805Ter)

Genes: TTN-AS1 (TTN antisense RNA 1; plus strand), TTN (titin; minus strand). Cytogenetic location: 2q31.2.
Variant type: single nucleotide variant.
Coding change: c.47414G>A on transcript NM_001267550.2 (MANE Select); coding-DNA position 47414, G replaced by A.
Protein change: p.Trp15805Ter; replaces tryptophan 15805 with a stop codon.
Molecular consequence: nonsense.
Genome position (GRCh38, 1-based): chr2:178,617,937, C>T on the plus strand (G>A on the coding strand, the complement: TTN is on the minus strand). VCF-style: chr2-178617937-C-T. GRCh37 (hg19) VCF-style: chr2-179482664-C-T.
Other names: c.42491G>A, p.Trp14164Ter (NM_001256850.1); c.20219G>A, p.Trp6740Ter (NM_003319.4); c.39710G>A, p.Trp13237Ter (NM_133378.4); c.20594G>A, p.Trp6865Ter (NM_133432.3); c.20795G>A, p.Trp6932Ter (NM_133437.4); short protein forms W6740*, W6865*, W14164*, W15805*, W6932*, W13237*.
Identifiers: ClinVar variation 1987398 (VCV001987398.4), dbSNP rs2470877798, ClinGen allele CA349617180.